The following is an entry in ClinVar:

ClinVar aggregate classification (germline): Pathogenic/Likely pathogenic. Review status: criteria provided, multiple submitters, no conflicts (2 of 4 stars). 12 submissions from 12 submitters: Pathogenic (8); Likely pathogenic (2). 2 of the submissions do not count toward it. Last evaluated 2026-07-01.

Conditions:
Retinitis punctata albescens. Identifiers: Orphanet 52427, MedGen C1405854, MONDO:0018877.
Bothnia retinal dystrophy. Also called: VASTERBOTTEN DYSTROPHY. Identifiers: Orphanet 85128, MedGen C1843816, MONDO:0011838, OMIM 607475.
RLBP1-related disorder. Also called: RLBP1-related condition; RLBP1-related disorders. Identifiers: MedGen CN239413.
Pigmentary retinal dystrophy. Also called: Fundus albipunctatus. Identifiers: Orphanet 227796, Orphanet 52427, MedGen C0311338, MONDO:0007639, OMIM 136880, HP:0030642.
Newfoundland cone-rod dystrophy. Identifiers: MedGen C1843815, MONDO:0011839, OMIM 607476.
Retinitis pigmentosa (RP). Identifiers: Orphanet 791, MedGen C0035334, MeSH D012174, MONDO:0019200, OMIM 268000. Inheritance: Autosomal dominant, autosomal recessive and X linked inheritance.
Retinal disorder. Also called: Retinopathies; Retinal Diseases; Retinopathy; Retinal disorders. Identifiers: MedGen C0035309, MONDO:0005283, HP:0000488.

Allele frequency attached by ClinVar (database versions not stated): gnomAD 0.00003; TOPMed 0.00003; gnomAD exomes 0.00004; ExAC 0.00007.

Submissions (12):

PreventionGenetics, part of Exact Sciences
Classification: Pathogenic for RLBP1-related condition. Last evaluated: 2026-07-01. Review status: criteria provided, single submitter. Criteria: ACMG Guidelines, 2015. Collection method: clinical testing. Allele origin: germline.
Comment: The RLBP1 c.677T>A variant is predicted to result in the amino acid substitution p.Met226Lys. This variant in the compound heterozygous and homozygous state has been reported in patients with retinitis punctata albescens and Bothnia retinal dystrophy (Carss et al. 2017. PubMed ID: 28041643; Morimura et al. 1999. PubMed ID: 10102299; Burstedt et al. 2013. PubMed ID: 22551409). This variant is reported in 0.0093% of alleles in individuals of European (Non-Finnish) descent in gnomAD. This variant is interpreted as pathogenic.

Labcorp Genetics (formerly Invitae), Labcorp
Classification: Pathogenic. Last evaluated: 2026-02-04. Review status: criteria provided, single submitter. Criteria: Invitae Variant Classification Sherloc (09022015). Collection method: clinical testing. Allele origin: germline.
Comment: This sequence change replaces methionine, which is neutral and non-polar, with lysine, which is basic and polar, at codon 226 of the RLBP1 protein (p.Met226Lys). This variant is present in population databases (rs137853291, gnomAD 0.009%). This missense change has been observed in individual(s) with clinical features of retinitis punctata albescens (PMID: 10102299, 22551409). In at least one individual the data is consistent with being in trans (on the opposite chromosome) from a pathogenic variant. This variant is also known as M225K. ClinVar contains an entry for this variant (Variation ID: 13101). Invitae Evidence Modeling of protein sequence and biophysical properties (such as structural, functional, and spatial information, amino acid conservation, physicochemical variation, residue mobility, and thermodynamic stability) indicates that this missense variant is expected to disrupt RLBP1 protein function with a positive predictive value of 95%. Experimental studies have shown that this missense change affects RLBP1 function (PMID: 12536144). For these reasons, this variant has been classified as Pathogenic.

First Genomix Gene Laboratory, Genetic Diagnostics Department
Classification: Pathogenic for Bothnia retinal dystrophy; Pigmentary retinal dystrophy; Newfoundland cone-rod dystrophy. Last evaluated: 2025-09-03. Review status: criteria provided, single submitter. Criteria: ACMG Guidelines, 2015. Collection method: clinical testing. Allele origin: germline. Inheritance: Autosomal recessive inheritance. Affected: no. Observed: 1 variant allele.

Genetics Laboratory, Great Ormond Street Hospital NHS Foundation Trust, North Thames Genomic Laboratory Hub
Classification: Likely pathogenic for Retinal disorders. Last evaluated: 2025-08-08. Review status: criteria provided, single submitter. Criteria: ACGS Best Practice Guidelines for Variant Classification in Rare Disease 2024 v1.2. Collection method: clinical testing. Allele origin: germline. Affected: yes.
Comment: PM2_moderate, PP3_supporting, PM3_strong

Blueprint Genetics
Classification: Pathogenic for RLBP1-related disorders. Last evaluated: 2024-09-22. Review status: criteria provided, single submitter. Criteria: ACMG Guidelines, 2015. Collection method: clinical testing. Allele origin: germline. Affected: yes. Observed: 5 variant alleles.

Fulgent Genetics
Classification: Pathogenic for Pigmentary retinal dystrophy; Bothnia retinal dystrophy; Newfoundland cone-rod dystrophy. Last evaluated: 2024-05-04. Review status: criteria provided, single submitter. Criteria: ACMG Guidelines, 2015. Collection method: clinical testing. Allele origin: germline.

Women's Health and Genetics/Laboratory Corporation of America, LabCorp
Classification: Pathogenic for Retinitis pigmentosa. Last evaluated: 2023-06-02. Review status: criteria provided, single submitter. Criteria: LabCorp Variant Classification Summary - May 2015. Collection method: clinical testing. Allele origin: germline.
Comment: Variant summary: RLBP1 c.677T>A (p.Met226Lys) results in a non-conservative amino acid change located in the CRAL-TRIO lipid binding domain (IPR001251) of the encoded protein sequence. Four of five in-silico tools predict a damaging effect of the variant on protein function. The variant allele was found at a frequency of 4.4e-05 in 251440 control chromosomes (gnomAD). This frequency is not significantly higher than estimated for a pathogenic variant in RLBP1 causing Retinitis Pigmentosa (4.4e-05 vs 0.00063), allowing no conclusion about variant significance. c.677T>A has been reported in the literature in many compound heterozygous and homozygous individuals affected with Retinitis Pigmentosa and was shown to segregate with disease in related individuals (e.g., Kohn_2008, Morimura_1999, Thorsteinsson_2021). These data indicate that the variant is very likely to be associated with disease. The following publications have been ascertained in the context of this evaluation (PMID: 18344446, 10102299, 33851411). Five ClinVar submitters (evaluation after 2014) have cited the variant, and all submitters classified the variant as pathogenic (n = 4) or likely pathogenic (n = 1). Based on the evidence outlined above, the variant was classified as pathogenic.

Department of Pathology and Laboratory Medicine, Sinai Health System
Classification: Likely pathogenic for Retinitis punctata albescens; Bothnia retinal dystrophy. Last evaluated: 2022-11-30. Review status: criteria provided, single submitter. Criteria: ACMG Guidelines, 2015. Collection method: research. Allele origin: germline.

Revvity Omics, Revvity
Classification: Pathogenic. Last evaluated: 2019-07-23. Review status: criteria provided, single submitter. Criteria: ACMG Guidelines, 2015. Collection method: clinical testing. Allele origin: germline.

Illumina Laboratory Services, Illumina
Classification: Pathogenic for RLBP1-Related Disorders. Last evaluated: 2017-04-27. Review status: criteria provided, single submitter. Criteria: ICSL Variant Classification Criteria 09 May 2019. Collection method: clinical testing. Allele origin: germline.
Comment: The RLBP1 c.677T>A (p.Met226Lys) missense variant has been reported in three studies in which it is found in a total of 25 patients with RLBP1-related disorders including in four patients in a homozygous state and in 21 patients in a compound heterozygous state (Morimura et al. 1999; KÃ¶hn et al. 2008; Burstedt et al. 2013). The p.Met226Lys variant was also found in two unaffected family members in a heterozygous state. The variant was present in a heterozygous state in one of 303 control samples and is reported at a frequency of 0.00013 in the European (non-Finnish) population of the Exome Aggregation Consortium. Expression in E.coli showed that the p.Met226Lys variant is less soluble than the wild type protein; NMR analysis of the protein structure showed that the variant protein has structural differences in comparison to wild type; UV-visible spectral analysis of purified protein showed that the variant protein has no cis-retinoid binding capacity for either 9-cis-retinal or 11-cis retinal. Overall the functional studies showed that the p.Met226Lys variant protein abolishes retinoid binding and impairs function of the protein in the visual cycle as an 11-cis retinol acceptor and substrate carrier (Golovleva et al. 2003). Based on the collective evidence, the p.Met226Lys variant is classified as pathogenic for RLBP1-related disorders. This variant was observed by ICSL as part of a predisposition screen in an ostensibly healthy population.

NIHR Bioresource Rare Diseases, University of Cambridge
Classification: Likely pathogenic for Retinitis pigmentosa. Last evaluated: 2015-01-01. Review status: no assertion criteria provided. Collection method: research. Allele origin: unknown. Affected: yes. Observed: 1 variant allele. Not counted in ClinVar's aggregate classification.

OMIM
Classification: Pathogenic for RETINITIS PUNCTATA ALBESCENS. Last evaluated: 1999-04-01. Review status: no assertion criteria provided. Collection method: literature only. Allele origin: germline. Not counted in ClinVar's aggregate classification.

Literature cited by the submitters: PubMed 10102299 (cited by 5 submitters); PubMed 22551409 (cited by Labcorp Genetics (formerly Invitae), Labcorp and Illumina Laboratory Services, Illumina); PubMed 12536144 (cited by Labcorp Genetics (formerly Invitae), Labcorp and Illumina Laboratory Services, Illumina); PubMed 18344446 (cited by Women's Health and Genetics/Laboratory Corporation of America, LabCorp and Illumina Laboratory Services, Illumina); PubMed 33851411 (cited by Women's Health and Genetics/Laboratory Corporation of America, LabCorp); PubMed 28041643 (cited by NIHR Bioresource Rare Diseases, University of Cambridge).

NM_000326.5(RLBP1):c.677T>A (p.Met226Lys)

Gene: RLBP1 (retinaldehyde binding protein 1; minus strand). Cytogenetic location: 15q26.1.
Variant type: single nucleotide variant.
Coding change: c.677T>A on transcript NM_000326.5 (MANE Select); coding-DNA position 677, T replaced by A.
Protein change: p.Met226Lys; replaces methionine 226 with lysine.
Molecular consequence: missense variant.
Genome position (GRCh38, 1-based): chr15:89,211,750, A>T on the plus strand (T>A on the coding strand, the complement: RLBP1 is on the minus strand). VCF-style: chr15-89211750-A-T. GRCh37 (hg19) VCF-style: chr15-89754981-A-T.
Other names: M225K; short protein forms M226K.
Identifiers: ClinVar variation 13101 (VCV000013101.23), dbSNP rs137853291, ClinGen allele CA122840.